The following is an entry in ClinVar:

NC_000016.9:g.(?_138677)_(143343_?)del

Gene: NPRL3 (NPR3 like, GATOR1 complex subunit; minus strand). Cytogenetic location: 16p13.3.
Variant type: Deletion.
Identifiers: ClinVar variation 1457733 (VCV001457733.4).

ClinVar aggregate classification (germline): Pathogenic (1 of 4 stars; one submission).

Conditions:
Epilepsy, familial focal, with variable foci 3 (FFEVF3). Identifiers: MedGen C4310708, MONDO:0014925, OMIM 617118.

Submission:

Labcorp Genetics (formerly Invitae), Labcorp
Classification: Pathogenic for Epilepsy, familial focal, with variable foci 3. Last evaluated: 2021-10-12. Review status: criteria provided, single submitter. Criteria: Invitae Variant Classification Sherloc (09022015). Collection method: clinical testing. Allele origin: germline.
Comment: For these reasons, this variant has been classified as Pathogenic. This variant disrupts a region of the NPRL3 protein in which other variant(s) (p.Pro327Leu) have been determined to be pathogenic (Invitae). This suggests that this is a clinically significant region of the protein, and that variants that disrupt it are likely to be disease-causing. This variant has not been reported in the literature in individuals affected with NPRL3-related conditions. This variant is a gross deletion of the genomic region encompassing exon(s) 10-13 of the NPRL3 gene. While this deletion is not anticipated to lead to nonsense mediated decay, it is expected to disrupt the C-terminus of the protein.